The following is an entry in ClinVar:

NM_001042545.2(LTBP4):c.4162C>T (p.Pro1388Ser)

Gene: LTBP4 (latent transforming growth factor beta binding protein 4; plus strand). Cytogenetic location: 19q13.2.
Variant type: single nucleotide variant.
Coding change: c.4162C>T on transcript NM_001042545.2 (MANE Select); coding-DNA position 4162, C replaced by T.
Protein change: p.Pro1388Ser; replaces proline 1388 with serine.
Molecular consequence: missense variant.
Genome position (GRCh38, 1-based): chr19:40,627,151, C>T. VCF-style: chr19-40627151-C-T. GRCh37 (hg19) VCF-style: chr19-41133056-C-T.
Other names: c.4363C>T, p.Pro1455Ser (NM_001042544.1); c.4252C>T, p.Pro1418Ser (NM_003573.2); short protein forms P1388S, P1418S, P1455S.
Identifiers: ClinVar variation 3233626 (VCV003233626.1), dbSNP rs2515396472, ClinGen allele CA405911121.

ClinVar aggregate classification (germline): Uncertain significance (1 of 4 stars; one submission).

Submission:

Women's Health and Genetics/Laboratory Corporation of America, LabCorp
Classification: Uncertain significance. Last evaluated: 2024-03-06. Review status: criteria provided, single submitter. Criteria: LabCorp Variant Classification Summary - May 2015. Collection method: clinical testing. Allele origin: germline.
Comment: Variant summary: ABCC8 c.4252C>T (p.Arg1418Cys) results in a non-conservative amino acid change located in the ABC transporter-like, ATP-binding domain (IPR003439) of the encoded protein sequence. Five of five in-silico tools predict a damaging effect of the variant on protein function. The variant allele was found at a frequency of 1.2e-05 in 168448 control chromosomes. c.4252C>T has been reported in the literature in individuals affected with Congenital Hyperinsulinism. These data do not allow any conclusion about variant significance. To our knowledge, no experimental evidence demonstrating an impact on protein function has been reported. One clinical diagnostic laboratory has submitted clinical-significance assessments for this variant to ClinVar after 2014 without evidence for independent evaluation. One laboratory classified the variant as pathogenic/likely pathogenic. Based on the evidence outlined above, the variant was classified as VUS-possibly pathogenic.